The following is an entry in ClinVar:

NM_000135.4(FANCA):c.1932C>G (p.Asn644Lys)

Gene: FANCA (FA complementation group A; minus strand). Cytogenetic location: 16q24.3.
Variant type: single nucleotide variant.
Coding change: c.1932C>G on transcript NM_000135.4 (MANE Select); coding-DNA position 1932, C replaced by G.
Protein change: p.Asn644Lys; replaces asparagine 644 with lysine.
Molecular consequence: missense variant.
Genome position (GRCh38, 1-based): chr16:89,773,353, G>C on the plus strand (C>G on the coding strand, the complement: FANCA is on the minus strand). VCF-style: chr16-89773353-G-C. GRCh37 (hg19) VCF-style: chr16-89839761-G-C.
Other names: c.1932C>G, p.Asn644Lys (NM_001286167.3); c.1932C>G (NM_000135.2); short protein forms N644K.
Identifiers: ClinVar variation 1047089 (VCV001047089.11), dbSNP rs1598116392, ClinGen allele CA397450252.

ClinVar aggregate classification (germline): Uncertain significance. Review status: criteria provided, multiple submitters, no conflicts (2 of 4 stars). 3 submissions from 3 submitters: Uncertain significance (2). 1 of the submissions does not count toward it. Last evaluated 2024-12-15.

Conditions:
Inborn genetic diseases. Identifiers: MedGen C0950123, MeSH D030342.
Fanconi anemia (FA). Also called: Fanconi's anemia. Identifiers: Orphanet 84, MedGen C0015625, MeSH D005199, MONDO:0019391.

gnomAD v4.1: 2 of 1,551,578 alleles (0.00013%); highest among the groups gnomAD compares: South Asian, 0.0012%; no homozygotes.

Submissions (3):

Ambry Genetics
Classification: Uncertain significance for Inborn genetic diseases. Last evaluated: 2024-12-15. Review status: criteria provided, single submitter. Criteria: Ambry Variant Classification Scheme 2023. Collection method: clinical testing. Allele origin: germline.
Comment: The p.N644K variant (also known as c.1932C>G), located in coding exon 22 of the FANCA gene, results from a C to G substitution at nucleotide position 1932. The asparagine at codon 644 is replaced by lysine, an amino acid with similar properties. This amino acid position is conserved. In addition, this alteration is predicted to be tolerated by in silico analysis. Based on the available evidence, the clinical significance of this variant remains unclear.

Labcorp Genetics (formerly Invitae), Labcorp
Classification: Uncertain significance for Fanconi anemia. Last evaluated: 2022-04-09. Review status: criteria provided, single submitter. Criteria: Invitae Variant Classification Sherloc (09022015). Collection method: clinical testing. Allele origin: germline.
Comment: This sequence change replaces asparagine, which is neutral and polar, with lysine, which is basic and polar, at codon 644 of the FANCA protein (p.Asn644Lys). This variant is not present in population databases (gnomAD no frequency). This variant has not been reported in the literature in individuals affected with FANCA-related conditions. ClinVar contains an entry for this variant (Variation ID: 1047089). Advanced modeling of protein sequence and biophysical properties (such as structural, functional, and spatial information, amino acid conservation, physicochemical variation, residue mobility, and thermodynamic stability) performed at Invitae indicates that this missense variant is not expected to disrupt FANCA protein function. In summary, the available evidence is currently insufficient to determine the role of this variant in disease. Therefore, it has been classified as a Variant of Uncertain Significance.

Natera, Inc.
Classification: Uncertain significance for Fanconi anemia. Last evaluated: 2020-05-06. Review status: no assertion criteria provided. Collection method: clinical testing. Allele origin: germline. Not counted in ClinVar's aggregate classification.